The following is an entry in ClinVar:

NM_005068.3(SIM1):c.1066T>A (p.Tyr356Asn)

Genes: SIM1 (SIM bHLH transcription factor 1; minus strand), SIM1-AS1 (SIM1 antisense RNA 1; plus strand). Cytogenetic location: 6q16.3.
Variant type: single nucleotide variant.
Coding change: c.1066T>A on transcript NM_005068.3 (MANE Select); coding-DNA position 1066, T replaced by A.
Protein change: p.Tyr356Asn; replaces tyrosine 356 with asparagine.
Molecular consequence: missense variant.
Genome position (GRCh38, 1-based): chr6:100,420,891, A>T on the plus strand (T>A on the coding strand, the complement: SIM1 is on the minus strand). VCF-style: chr6-100420891-A-T. GRCh37 (hg19) VCF-style: chr6-100868767-A-T.
Other names: c.1066T>A, p.Tyr356Asn (NM_001374769.1); short protein forms Y356N.
Identifiers: ClinVar variation 4986453 (VCV004986453.1).

ClinVar aggregate classification (germline): Uncertain significance (1 of 4 stars; one submission).

Conditions:
SIM1-related disorder. Also called: SIM1-related disorders; SIM1-related condition.

gnomAD v4.1: 3 of 1,613,890 alleles (0.00019%); highest among the groups gnomAD compares: Admixed American, 0.005%; 1 homozygote.

Submission:

PreventionGenetics, part of Exact Sciences
Classification: Uncertain significance for SIM1-related condition. Last evaluated: 2025-08-07. Review status: criteria provided, single submitter. Criteria: ACMG Guidelines, 2015. Collection method: clinical testing. Allele origin: germline.
Comment: The SIM1 c.1066T>A variant is predicted to result in the amino acid substitution p.Tyr356Asn. To our knowledge, this variant has not been reported in the literature or in a large population database (gnomAD), indicating this variant is rare. At this time, the clinical significance of this variant is uncertain due to the absence of conclusive functional and genetic evidence.